The following is an entry in ClinVar:

NM_001365536.1(SCN9A):c.163G>C (p.Ala55Pro)

Gene: SCN9A (sodium voltage-gated channel alpha subunit 9; minus strand). Cytogenetic location: 2q24.3.
Variant type: single nucleotide variant.
Coding change: c.163G>C on transcript NM_001365536.1 (MANE Select); coding-DNA position 163, G replaced by C.
Protein change: p.Ala55Pro; replaces alanine 55 with proline.
Molecular consequence: missense variant.
Genome position (GRCh38, 1-based): chr2:166,311,594, C>G on the plus strand (G>C on the coding strand, the complement: SCN9A is on the minus strand). VCF-style: chr2-166311594-C-G. GRCh37 (hg19) VCF-style: chr2-167168104-C-G.
Other names: c.163G>C, p.Ala55Pro (NM_002977.4); short protein forms A55P.
Identifiers: ClinVar variation 2115449 (VCV002115449.4), dbSNP rs2468154451, ClinGen allele CA349095967.

ClinVar aggregate classification (germline): Uncertain significance (1 of 4 stars; one submission).

Conditions:
Neuropathy, hereditary sensory and autonomic, type 2A (HSAN2A). Also called: MORVAN DISEASE; NEUROPATHY, CONGENITAL SENSORY; NEUROPATHY, HEREDITARY SENSORY RADICULAR, AUTOSOMAL RECESSIVE; NEUROPATHY, HEREDITARY SENSORY, TYPE IIA; NEUROPATHY, PROGRESSIVE SENSORY, OF CHILDREN; HSAN IIA. Identifiers: Orphanet 970, MedGen C2752089, MONDO:0024309, OMIM 201300.
Generalized epilepsy with febrile seizures plus, type 7 (GEFSP7). Also called: GEFS+, TYPE 7. Identifiers: Orphanet 36387, MedGen C2751778, MONDO:0013470, OMIM 613863.

Submission:

Labcorp Genetics (formerly Invitae), Labcorp
Classification: Uncertain significance for Neuropathy, hereditary sensory and autonomic, type 2A; Generalized epilepsy with febrile seizures plus, type 7. Last evaluated: 2022-03-20. Review status: criteria provided, single submitter. Criteria: Invitae Variant Classification Sherloc (09022015). Collection method: clinical testing. Allele origin: germline.
Comment: This sequence change replaces alanine, which is neutral and non-polar, with proline, which is neutral and non-polar, at codon 55 of the SCN9A protein (p.Ala55Pro). This variant is not present in population databases (gnomAD no frequency). This variant has not been reported in the literature in individuals affected with SCN9A-related conditions. Algorithms developed to predict the effect of missense changes on protein structure and function are either unavailable or do not agree on the potential impact of this missense change (SIFT: "Tolerated"; PolyPhen-2: "Probably Damaging"; Align-GVGD: "Class C0"). In summary, the available evidence is currently insufficient to determine the role of this variant in disease. Therefore, it has been classified as a Variant of Uncertain Significance.